The following is an entry in ClinVar:

ClinVar aggregate classification (germline): Uncertain significance. Review status: criteria provided, multiple submitters, no conflicts (2 of 4 stars). 2 submissions from 2 submitters: Uncertain significance (2). Last evaluated 2023-10-06.

Conditions:
Cardiomyopathy (CMYO). Also called: Cardiomyopathies. Identifiers: Orphanet 167848, MedGen C0878544, MONDO:0004994, HP:0001638. Inheritance: Various modes of inheritance.
Arrhythmogenic cardiomyopathy with wooly hair and keratoderma. Also called: PALMOPLANTAR KERATODERMA WITH LEFT VENTRICULAR CARDIOMYOPATHY AND WOOLLY HAIR; Carvajal syndrome; Dilated cardiomyopathy with woolly hair and keratoderma; Arrhythmogenic cardiomyopathy with woolly hair and keratoderma. Identifiers: Orphanet 65282, MedGen C1854063, MONDO:0011581, OMIM 605676.

Allele frequency attached by ClinVar (database versions not stated): gnomAD exomes 0.00001.

Submissions (2):

All of Us Research Program, National Institutes of Health
Classification: Uncertain significance for Arrhythmogenic cardiomyopathy with wooly hair and keratoderma. Last evaluated: 2023-10-06. Review status: criteria provided, single submitter. Criteria: ACMG Guidelines, 2015. Collection method: clinical testing. Allele origin: germline. Inheritance: Autosomal dominant inheritance. Observed: 1 variant allele, 1 heterozygote.
Comment: This missense variant replaces phenylalanine with leucine at codon 2544 of the DSP protein. Computational prediction suggests that this variant may not impact protein structure and function (internally defined REVEL score threshold <= 0.5, PMID: 27666373). To our knowledge, functional studies have not been reported for this variant. This variant has been reported in one individual affected with hypertrophic cardiomyopathy (PMID: 25351510). This variant has not been identified in the general population by the Genome Aggregation Database (gnomAD). The available evidence is insufficient to determine the role of this variant in disease conclusively. Therefore, this variant is classified as a Variant of Uncertain Significance.

This study involves interpretation of variants in research participants for the purpose of population health screening. Participant phenotype was not available at the time of variant classification. Additional details can be found in publication PMID: 35346344, PMCID: PMC8962531

Color Diagnostics, LLC DBA Color Health
Classification: Uncertain significance for Cardiomyopathy. Last evaluated: 2023-09-28. Review status: criteria provided, single submitter. Criteria: ACMG Guidelines, 2015. Collection method: clinical testing. Allele origin: germline.
Comment: This missense variant replaces phenylalanine with leucine at codon 2544 of the DSP protein. Computational prediction suggests that this variant may not impact protein structure and function (internally defined REVEL score threshold <= 0.5, PMID: 27666373). To our knowledge, functional studies have not been reported for this variant. This variant has been reported in one individual affected with hypertrophic cardiomyopathy (PMID: 25351510). This variant has not been identified in the general population by the Genome Aggregation Database (gnomAD). The available evidence is insufficient to determine the role of this variant in disease conclusively. Therefore, this variant is classified as a Variant of Uncertain Significance.

Literature cited by the submitters: PubMed 25351510 (cited by All of Us Research Program, National Institutes of Health and Color Diagnostics, LLC DBA Color Health).

NM_004415.4(DSP):c.7632T>G (p.Phe2544Leu)

Gene: DSP (desmoplakin; plus strand). Cytogenetic location: 6p24.3.
Variant type: single nucleotide variant.
Coding change: c.7632T>G on transcript NM_004415.4 (MANE Select); coding-DNA position 7632, T replaced by G.
Protein change: p.Phe2544Leu; replaces phenylalanine 2544 with leucine.
Molecular consequence: missense variant.
Genome position (GRCh38, 1-based): chr6:7,584,894, T>G. VCF-style: chr6-7584894-T-G. GRCh37 (hg19) VCF-style: chr6-7585127-T-G.
Other names: c.5835T>G, p.Phe1945Leu (NM_001008844.3); c.6303T>G, p.Phe2101Leu (NM_001319034.2); short protein forms F2544L, F2101L, F1945L.
Identifiers: ClinVar variation 925005 (VCV000925005.6), dbSNP rs1759584747, ClinGen allele CA362693439.